The following is an entry in ClinVar:

ClinVar aggregate classification (germline): Uncertain significance. Review status: criteria provided, multiple submitters, no conflicts (2 of 4 stars). 2 submissions from 2 submitters: Uncertain significance (2). Last evaluated 2026-06-05.

Conditions:
TTN-related disorder. Also called: TTN-related disorders; TTN-related condition; TTN-related disease.
Cardiovascular phenotype. Identifiers: MedGen CN230736.

gnomAD v4.1: 3 of 1,613,666 alleles (0.00019%); highest among the groups gnomAD compares: African/African-American, 0.0027%; no homozygotes.

Submissions (2):

PreventionGenetics, part of Exact Sciences
Classification: Uncertain significance for TTN-related condition. Last evaluated: 2026-06-05. Review status: criteria provided, single submitter. Criteria: ACMG Guidelines, 2015. Collection method: clinical testing. Allele origin: germline.
Comment: The TTN c.88112T>A variant is predicted to result in the amino acid substitution p.Ile29371Asn. To our knowledge, this variant has not been reported in the literature. This variant is reported in 0.0065% of alleles in individuals of African descent in gnomAD. At this time, the clinical significance of this variant is uncertain due to the absence of conclusive functional and genetic evidence.

Ambry Genetics
Classification: Uncertain significance for Cardiovascular phenotype. Last evaluated: 2018-12-03. Review status: criteria provided, single submitter. Criteria: Ambry Variant Classification Scheme 2023. Collection method: clinical testing. Allele origin: germline.
Comment: The p.I20306N variant (also known as c.60917T>A), located in coding exon 157 of the TTN gene, results from a T to A substitution at nucleotide position 60917. The isoleucine at codon 20306 is replaced by asparagine, an amino acid with dissimilar properties. This amino acid position is not well conserved in available vertebrate species. In addition, this alteration is predicted to be tolerated by in silico analysis. Since supporting evidence is limited at this time, the clinical significance of this alteration remains unclear.

NM_001267550.2(TTN):c.88112T>A (p.Ile29371Asn)

Genes: TTN (titin; minus strand), TTN-AS1 (TTN antisense RNA 1; plus strand). Cytogenetic location: 2q31.2.
Variant type: single nucleotide variant.
Coding change: c.88112T>A on transcript NM_001267550.2 (MANE Select); coding-DNA position 88112, T replaced by A.
Protein change: p.Ile29371Asn; replaces isoleucine 29371 with asparagine.
Molecular consequence: missense variant.
Genome position (GRCh38, 1-based): chr2:178,557,042, A>T on the plus strand (T>A on the coding strand, the complement: TTN is on the minus strand). VCF-style: chr2-178557042-A-T. GRCh37 (hg19) VCF-style: chr2-179421769-A-T.
Other names: c.83189T>A, p.Ile27730Asn (NM_001256850.1); c.60917T>A, p.Ile20306Asn (NM_003319.4); c.80408T>A, p.Ile26803Asn (NM_133378.4); c.61292T>A, p.Ile20431Asn (NM_133432.3); c.61493T>A, p.Ile20498Asn (NM_133437.4); short protein forms I27730N, I20306N, I20431N, I29371N, I20498N, I26803N.
Identifiers: ClinVar variation 1751509 (VCV001751509.3), dbSNP rs767890385, ClinGen allele CA1988199.